The following is an entry in ClinVar:

NM_001371928.1(AHDC1):c.2142C>T (p.Gly714=)

Gene: AHDC1 (AT-hook DNA binding motif containing 1; minus strand). Cytogenetic location: 1p36.11.
Variant type: single nucleotide variant.
Coding change: c.2142C>T on transcript NM_001371928.1 (MANE Select); coding-DNA position 2142, C replaced by T.
Protein change: p.Gly714=; no amino-acid change (glycine 714 retained).
Molecular consequence: synonymous variant.
Genome position (GRCh38, 1-based): chr1:27,549,974, G>A on the plus strand (C>T on the coding strand, the complement: AHDC1 is on the minus strand). VCF-style: chr1-27549974-G-A. GRCh37 (hg19) VCF-style: chr1-27876485-G-A.
Other names: c.2142C>T, p.Gly714= (NM_001029882.3).
Identifiers: ClinVar variation 1480474 (VCV001480474.9), dbSNP rs767110187, ClinGen allele CA715825.

ClinVar aggregate classification (germline): Likely benign. Review status: criteria provided, single submitter (1 of 4 stars). 2 submissions from 2 submitters: Likely benign (1). 1 of the submissions does not count toward it. Last evaluated 2025-12-22.

Conditions:
AHDC1-related disorder. Also called: AHDC1-related condition.

Allele frequency attached by ClinVar (database versions not stated): gnomAD 0.00001; gnomAD exomes 0.00001 and 0.00003; TOPMed 0.00001; ExAC 0.00003.
gnomAD v4.1: 9 of 1,605,674 alleles (0.00056%); highest among the groups gnomAD compares: Admixed American, 0.015%; no homozygotes.

Submissions (2):

Labcorp Genetics (formerly Invitae), Labcorp
Classification: Likely benign. Last evaluated: 2025-12-22. Review status: criteria provided, single submitter. Criteria: Invitae Variant Classification Sherloc (09022015). Collection method: clinical testing. Allele origin: germline.

PreventionGenetics, part of Exact Sciences
Classification: Likely benign for AHDC1-related condition. Last evaluated: 2024-07-19. Review status: no assertion criteria provided. Collection method: clinical testing. Allele origin: germline. Not counted in ClinVar's aggregate classification.
Comment: This variant is classified as likely benign based on ACMG/AMP sequence variant interpretation guidelines (Richards et al. 2015 PMID: 25741868, with internal and published modifications).